The following is an entry in ClinVar:

ClinVar aggregate classification (germline): Uncertain significance (1 of 4 stars; one submission).

Submission:

GeneDx
Classification: Uncertain significance. Last evaluated: 2026-01-23. Review status: criteria provided, single submitter. Criteria: GeneDx Variant Classification Process June 2021. Collection method: clinical testing. Allele origin: germline.
Comment: Not observed at significant frequency in large population cohorts (gnomAD); In silico analysis supports that this missense variant has a deleterious effect on protein structure/function; Has not been previously published as pathogenic or benign to our knowledge

NM_014491.4(FOXP2):c.823G>C (p.Gly275Arg)

Gene: FOXP2 (forkhead box P2; plus strand). Cytogenetic location: 7q31.1.
Variant type: single nucleotide variant.
Coding change: c.823G>C on transcript NM_014491.4 (MANE Select); coding-DNA position 823, G replaced by C.
Protein change: p.Gly275Arg; replaces glycine 275 with arginine.
Molecular consequence: missense variant. On other transcripts: non-coding transcript variant (2).
Genome position (GRCh38, 1-based): chr7:114,642,457, G>C. VCF-style: chr7-114642457-G-C. GRCh37 (hg19) VCF-style: chr7-114282512-G-C.
Other names: c.820G>C, p.Gly274Arg (NM_001172766.3); c.898G>C, p.Gly300Arg (NM_001172767.2, NM_148898.4); c.823G>C, p.Gly275Arg (NM_148899.3); c.874G>C, p.Gly292Arg (NM_148900.4); short protein forms G274R, G275R, G292R, G300R.
Identifiers: ClinVar variation 4975297 (VCV004975297.1).